The following is an entry in ClinVar:

NM_025114.4(CEP290):c.7169C>G (p.Thr2390Arg)

Gene: CEP290 (centrosomal protein 290; minus strand). Cytogenetic location: 12q21.32.
Variant type: single nucleotide variant.
Coding change: c.7169C>G on transcript NM_025114.4 (MANE Select); coding-DNA position 7169, C replaced by G.
Protein change: p.Thr2390Arg; replaces threonine 2390 with arginine.
Molecular consequence: missense variant.
Genome position (GRCh38, 1-based): chr12:88,050,394, G>C on the plus strand (C>G on the coding strand, the complement: CEP290 is on the minus strand). VCF-style: chr12-88050394-G-C. GRCh37 (hg19) VCF-style: chr12-88444171-G-C.
Other names: short protein forms T2390R.
Identifiers: ClinVar variation 855629 (VCV000855629.9), dbSNP rs776216960, ClinGen allele CA6711335.

ClinVar aggregate classification (germline): Uncertain significance. Review status: criteria provided, multiple submitters, no conflicts (2 of 4 stars). 3 submissions from 3 submitters: Uncertain significance (2). 1 of the submissions does not count toward it. Last evaluated 2022-08-16.

Conditions:
Meckel-Gruber syndrome. Also called: DYSENCEPHALIA SPLANCHNOCYSTICA; GRUBER SYNDROME; Dysencephalia splachnocystica. Identifiers: Orphanet 564, MedGen C0265215, MONDO:0018921.
Nephronophthisis. Also called: Juvenile Nephronophthisis. Identifiers: Orphanet 655, MedGen C0687120, MONDO:0019005, HP:0000090.
Joubert syndrome. Also called: CEREBELLOPARENCHYMAL DISORDER IV; JOUBERT-BOLTSHAUSER SYNDROME; Familial aplasia of the vermis. Identifiers: Orphanet 475, MedGen C5979921, MONDO:0018772.
Senior-Loken syndrome 6 (SLSN6). Identifiers: Orphanet 3156, MedGen C1857779, MONDO:0012433, OMIM 610189.
Leber congenital amaurosis 10 (LCA10). Identifiers: Orphanet 65, MedGen C1857821, MONDO:0012723, OMIM 611755.
Bardet-Biedl syndrome 14 (BBS14). Identifiers: Orphanet 110, MedGen C2673874, MONDO:0014442, OMIM 615991.
Meckel syndrome, type 4 (MKS4). Also called: MECKEL-GRUBER SYNDROME, TYPE 4. Identifiers: Orphanet 564, MedGen C1970161, MONDO:0012626, OMIM 611134.
Joubert syndrome 5 (JBTS5). Identifiers: Orphanet 2318, MedGen C1857780, MONDO:0012432, OMIM 610188.
Leber congenital amaurosis (LCA). Also called: Leber's amaurosis. Identifiers: Orphanet 65, MedGen C0339527, MeSH D057130, MONDO:0018998.

Allele frequency attached by ClinVar (database versions not stated): TOPMed below 0.00001; gnomAD exomes 0.00001 and 0.00004; gnomAD 0.00002; ExAC 0.00006.
gnomAD v4.1: 22 of 1,562,350 alleles (0.0014%); highest among the groups gnomAD compares: East Asian, 0.0023%; no homozygotes.

Submissions (3):

Labcorp Genetics (formerly Invitae), Labcorp
Classification: Uncertain significance for Joubert syndrome; Meckel-Gruber syndrome; Nephronophthisis. Last evaluated: 2022-08-16. Review status: criteria provided, single submitter. Criteria: Invitae Variant Classification Sherloc (09022015). Collection method: clinical testing. Allele origin: germline.
Comment: This sequence change replaces threonine, which is neutral and polar, with arginine, which is basic and polar, at codon 2390 of the CEP290 protein (p.Thr2390Arg). This variant is present in population databases (rs776216960, gnomAD 0.03%). This variant has not been reported in the literature in individuals affected with CEP290-related conditions. ClinVar contains an entry for this variant (Variation ID: 855629). Algorithms developed to predict the effect of missense changes on protein structure and function are either unavailable or do not agree on the potential impact of this missense change (SIFT: "Deleterious"; PolyPhen-2: "Benign"; Align-GVGD: "Class C0"). In summary, the available evidence is currently insufficient to determine the role of this variant in disease. Therefore, it has been classified as a Variant of Uncertain Significance.

Fulgent Genetics
Classification: Uncertain significance for Joubert syndrome 5; Senior-Loken syndrome 6; Meckel syndrome, type 4; Leber congenital amaurosis 10; Bardet-Biedl syndrome 14. Last evaluated: 2021-11-11. Review status: criteria provided, single submitter. Criteria: ACMG Guidelines, 2015. Collection method: clinical testing. Allele origin: unknown.

Natera, Inc.
Classification: Uncertain significance for Leber congenital amaurosis. Last evaluated: 2020-08-20. Review status: no assertion criteria provided. Collection method: clinical testing. Allele origin: germline. Not counted in ClinVar's aggregate classification.